The following is an entry in ClinVar:

NM_020778.5(ALPK3):c.3902T>C (p.Ile1301Thr)

Gene: ALPK3 (alpha kinase 3; plus strand). Cytogenetic location: 15q25.3.
Variant type: single nucleotide variant.
Coding change: c.3902T>C on transcript NM_020778.5 (MANE Select); coding-DNA position 3902, T replaced by C.
Protein change: p.Ile1301Thr; replaces isoleucine 1301 with threonine.
Molecular consequence: missense variant.
Genome position (GRCh38, 1-based): chr15:84,859,327, T>C. VCF-style: chr15-84859327-T-C. GRCh37 (hg19) VCF-style: chr15-85402558-T-C.
Other names: short protein forms I1301T.
Identifiers: ClinVar variation 1952778 (VCV001952778.5), dbSNP rs1160452998, ClinGen allele CA393361505.
Genomic context (GRCh38, chr15:84,859,327, plus strand): 5'-GGGTGGAGCAGTTTCCTGATGCCTCCGGTAGCCTGAAGCTGTGGTGCCAGTTTTTCAACA[T>C]TCTTAGTGACTCAGTCTTGACATGGGCCAAGGATCAGCGCCCAGTGGGCGAGGTGGGCAG-3'
Protein context (NP_065829.4, residues 1291-1311): SLKLWCQFFN[Ile1301Thr]LSDSVLTWAK

ClinVar aggregate classification (germline): Uncertain significance (1 of 4 stars; one submission).

Allele frequency attached by ClinVar (database versions not stated): TOPMed below 0.00001; gnomAD exomes 0.00001.
gnomAD v4.1: 5 of 1,614,166 alleles (0.00031%); highest among the groups gnomAD compares: Non-Finnish European, 0.00042%; no homozygotes.

Submission:

Labcorp Genetics (formerly Invitae), Labcorp
Classification: Uncertain significance. Last evaluated: 2024-08-28. Review status: criteria provided, single submitter. Criteria: Invitae Variant Classification Sherloc (09022015). Collection method: clinical testing. Allele origin: germline.
Comment: This sequence change replaces isoleucine, which is neutral and non-polar, with threonine, which is neutral and polar, at codon 1503 of the ALPK3 protein (p.Ile1503Thr). This variant is present in population databases (no rsID available, gnomAD 0.0009%). This variant has not been reported in the literature in individuals affected with ALPK3-related conditions. ClinVar contains an entry for this variant (Variation ID: 1952778). An algorithm developed to predict the effect of missense changes on protein structure and function (PolyPhen-2) suggests that this variant is likely to be disruptive. In summary, the available evidence is currently insufficient to determine the role of this variant in disease. Therefore, it has been classified as a Variant of Uncertain Significance.